The following is an entry in ClinVar:

ClinVar aggregate classification (germline): Uncertain significance (1 of 4 stars; one submission).

Conditions:
Hereditary cancer-predisposing syndrome. Also called: Tumor predisposition; Hereditary Cancer Syndrome; Hereditary neoplastic syndrome; Neoplastic Syndromes, Hereditary. Identifiers: Orphanet 140162, MedGen C0027672, MeSH D009386, MONDO:0015356.

Submission:

Ambry Genetics
Classification: Uncertain significance for Hereditary cancer-predisposing syndrome. Last evaluated: 2023-07-27. Review status: criteria provided, single submitter. Criteria: Ambry Variant Classification Scheme 2023. Collection method: clinical testing. Allele origin: germline.
Comment: The c.3059delC variant, located in coding exon 19 of the BRIP1 gene, results from a deletion of one nucleotide at nucleotide position 3059, causing a translational frameshift with a predicted alternate stop codon (p.T1020Nfs*39). This alteration occurs at the 3' terminus of theBRIP1 gene, is not expected to trigger nonsense-mediated mRNAdecay, and only impacts the last 207 amino acids of the protein. The exact functional effect of this alteration is unknown. Since supporting evidence is limited at this time, the clinical significance of this alteration remains unclear.

NM_032043.3(BRIP1):c.3059del (p.Thr1020fs)

Gene: BRIP1 (BRCA1 interacting DNA helicase 1; minus strand). Cytogenetic location: 17q23.2.
Variant type: Deletion.
Coding change: c.3059del on transcript NM_032043.3 (MANE Select); coding-DNA position 3059, one base deleted (C; older notation c.3059delC).
Protein change: p.Thr1020fs; shifts the reading frame from threonine 1020.
Molecular consequence: frameshift variant.
Genome position (GRCh38, 1-based): chr17:61,683,987, G deleted on the plus strand (C on the coding strand, the reverse complement: BRIP1 is on the minus strand). VCF-style (leftmost placement, unchanged base first): chr17-61683986-TG-T. GRCh37 (hg19) VCF-style: chr17-59761347-TG-T.
Other names: short protein forms T1020fs.
Identifiers: ClinVar variation 2626378 (VCV002626378.2), dbSNP rs2544560846, ClinGen allele CA2582342294.